The following is an entry in ClinVar:

NM_201596.3(CACNB2):c.589T>G (p.Ser197Ala)

Gene: CACNB2 (calcium voltage-gated channel auxiliary subunit beta 2; plus strand). Cytogenetic location: 10p12.31.
Variant type: single nucleotide variant.
Coding change: c.589T>G on transcript NM_201596.3 (MANE Select); coding-DNA position 589, T replaced by G.
Protein change: p.Ser197Ala; replaces serine 197 with alanine.
Molecular consequence: missense variant.
Genome position (GRCh38, 1-based): chr10:18,500,944, T>G. VCF-style: chr10-18500944-T-G. GRCh37 (hg19) VCF-style: chr10-18789873-T-G.
Other names: c.445T>G, p.Ser149Ala (NM_001410882.1, NM_201570.3); c.505T>G, p.Ser169Ala (NM_201571.4, NM_201572.4, NM_001167945.2); c.427T>G, p.Ser143Ala (NM_201590.3); c.589T>G, p.Ser197Ala (NM_201593.3, NM_201597.3); c.424T>G, p.Ser142Ala (NM_000724.4, NM_001330060.2); short protein forms S142A, S143A, S149A, S169A, S197A.
Identifiers: ClinVar variation 3606042 (VCV003606042.2).

ClinVar aggregate classification (germline): Uncertain significance (1 of 4 stars; one submission).

Conditions:
Brugada syndrome 4 (BRGDA4). Identifiers: Orphanet 130, MedGen C2678477, MONDO:0012743, OMIM 611876.

gnomAD v4.1: 1 of 1,613,986 alleles (0.000062%); highest among the groups gnomAD compares: Non-Finnish European, 0.000085%; no homozygotes.

Submission:

Labcorp Genetics (formerly Invitae), Labcorp
Classification: Uncertain significance for Brugada syndrome 4. Last evaluated: 2024-04-15. Review status: criteria provided, single submitter. Criteria: Invitae Variant Classification Sherloc (09022015). Collection method: clinical testing. Allele origin: germline.
Comment: This sequence change replaces serine, which is neutral and polar, with alanine, which is neutral and non-polar, at codon 143 of the CACNB2 protein (p.Ser143Ala). This variant is not present in population databases (gnomAD no frequency). This variant has not been reported in the literature in individuals affected with CACNB2-related conditions. Advanced modeling of protein sequence and biophysical properties (such as structural, functional, and spatial information, amino acid conservation, physicochemical variation, residue mobility, and thermodynamic stability) performed at Invitae indicates that this missense variant is not expected to disrupt CACNB2 protein function with a negative predictive value of 80%. In summary, the available evidence is currently insufficient to determine the role of this variant in disease. Therefore, it has been classified as a Variant of Uncertain Significance.